The following is an entry in ClinVar:

ClinVar aggregate classification (germline): Benign/Likely benign. Review status: criteria provided, multiple submitters, no conflicts (2 of 4 stars). 2 submissions from 2 submitters: Benign (1); Likely benign (1). Last evaluated 2025-05-05.

Allele frequency attached by ClinVar (database versions not stated): gnomAD exomes 0.00001 and 0.00005; TOPMed 0.00001; ExAC 0.00002.
gnomAD v4.1: 9 of 1,211,664 alleles (0.00074%); highest among the groups gnomAD compares: East Asian, 0.018%; no homozygotes.

Submissions (2):

Labcorp Genetics (formerly Invitae), Labcorp
Classification: Benign. Last evaluated: 2025-05-05. Review status: criteria provided, single submitter. Criteria: Invitae Variant Classification Sherloc (09022015). Collection method: clinical testing. Allele origin: germline.

CeGaT Center for Human Genetics Tuebingen
Classification: Likely benign. Last evaluated: 2024-12-01. Review status: criteria provided, single submitter. Criteria: CeGaT Center For Human Genetics Tuebingen Variant Classification Criteria Version 2. Collection method: clinical testing. Allele origin: germline. Affected: yes. Observed: 1 variant allele.
Comment: AMER1: BP4, BS2

NM_152424.4(AMER1):c.1936C>T (p.Arg646Trp)

Gene: AMER1 (APC membrane recruitment protein 1; minus strand). Cytogenetic location: Xq11.2.
Variant type: single nucleotide variant.
Coding change: c.1936C>T on transcript NM_152424.4 (MANE Select); coding-DNA position 1936, C replaced by T.
Protein change: p.Arg646Trp; replaces arginine 646 with tryptophan.
Molecular consequence: missense variant.
Genome position (GRCh38, 1-based): chrX:64,191,351, G>A on the plus strand (C>T on the coding strand, the complement: AMER1 is on the minus strand). VCF-style: chrX-64191351-G-A. GRCh37 (hg19) VCF-style: chrX-63411231-G-A.
Other names: short protein forms R646W.
Identifiers: ClinVar variation 751476 (VCV000751476.17), dbSNP rs775711054, ClinGen allele CA10432262.
Genomic context (GRCh38, chrX:64,191,351, plus strand): 5'-GGCCCATCACTGATGGGCCTAAGGGCCTCATCTGATACTCTAAGACGGGCTTCTCCTGCC[G>A]GGCCTGGGTCTCTCGGACTTGAGTCTCTCTACAACGAACCTCTCGGGCCTGGGCTTCTCG-3'
Protein context (NP_689637.3, residues 636-656): RETQVRETQA[Arg646Trp]QEKPVLEYQM